The following is an entry in ClinVar:

ClinVar aggregate classification (germline): Uncertain significance (1 of 4 stars; one submission).

Conditions:
Immunodeficiency 37 (IMD37). Identifiers: MedGen C4015195, MONDO:0014491, OMIM 616098.

Allele frequency attached by ClinVar (database versions not stated): gnomAD 0.00002; ExAC 0.00005; TOPMed 0.00005; gnomAD exomes 0.00006; ESP Exome Variant Server 0.00031.

Submission:

Labcorp Genetics (formerly Invitae), Labcorp
Classification: Uncertain significance for Immunodeficiency 37. Last evaluated: 2022-06-28. Review status: criteria provided, single submitter. Criteria: Invitae Variant Classification Sherloc (09022015). Collection method: clinical testing. Allele origin: germline.
Comment: This sequence change replaces arginine, which is basic and polar, with glutamine, which is neutral and polar, at codon 88 of the BCL10 protein (p.Arg88Gln). This variant is present in population databases (rs147850504, gnomAD 0.03%). This variant has not been reported in the literature in individuals affected with BCL10-related conditions. ClinVar contains an entry for this variant (Variation ID: 948247). Algorithms developed to predict the effect of missense changes on protein structure and function are either unavailable or do not agree on the potential impact of this missense change (SIFT: "Tolerated"; PolyPhen-2: "Probably Damaging"; Align-GVGD: "Class C0"). In summary, the available evidence is currently insufficient to determine the role of this variant in disease. Therefore, it has been classified as a Variant of Uncertain Significance.

NM_003921.5(BCL10):c.263G>A (p.Arg88Gln)

Gene: BCL10 (BCL10 immune signaling adaptor; minus strand). Cytogenetic location: 1p22.3.
Variant type: single nucleotide variant.
Coding change: c.263G>A on transcript NM_003921.5 (MANE Select); coding-DNA position 263, G replaced by A.
Protein change: p.Arg88Gln; replaces arginine 88 with glutamine.
Molecular consequence: missense variant.
Genome position (GRCh38, 1-based): chr1:85,270,701, C>T on the plus strand (G>A on the coding strand, the complement: BCL10 is on the minus strand). VCF-style: chr1-85270701-C-T. GRCh37 (hg19) VCF-style: chr1-85736384-C-T.
Other names: c.263G>A, p.Arg88Gln (NM_001320715.2); short protein forms R88Q.
Identifiers: ClinVar variation 948247 (VCV000948247.5), dbSNP rs147850504, ClinGen allele CA929790.